The following is an entry in ClinVar:

NM_004415.4(DSP):c.6410C>T (p.Pro2137Leu)

Gene: DSP (desmoplakin; plus strand). Cytogenetic location: 6p24.3.
Variant type: single nucleotide variant.
Coding change: c.6410C>T on transcript NM_004415.4 (MANE Select); coding-DNA position 6410, C replaced by T.
Protein change: p.Pro2137Leu; replaces proline 2137 with leucine.
Molecular consequence: missense variant.
Genome position (GRCh38, 1-based): chr6:7,583,672, C>T. VCF-style: chr6-7583672-C-T. GRCh37 (hg19) VCF-style: chr6-7583905-C-T.
Other names: c.4613C>T, p.Pro1538Leu (NM_001008844.3); c.5081C>T, p.Pro1694Leu (NM_001319034.2); short protein forms P1538L, P1694L, P2137L.
Identifiers: ClinVar variation 3070933 (VCV003070933.1), dbSNP rs2533941009, ClinGen allele CA362690734.

ClinVar aggregate classification (germline): Uncertain significance (1 of 4 stars; one submission).

Conditions:
Arrhythmogenic cardiomyopathy with wooly hair and keratoderma. Also called: PALMOPLANTAR KERATODERMA WITH LEFT VENTRICULAR CARDIOMYOPATHY AND WOOLLY HAIR; Carvajal syndrome; Dilated cardiomyopathy with woolly hair and keratoderma; Arrhythmogenic cardiomyopathy with woolly hair and keratoderma. Identifiers: Orphanet 65282, MedGen C1854063, MONDO:0011581, OMIM 605676.

Allele frequency attached by ClinVar (database versions not stated): gnomAD exomes below 0.00001.
gnomAD v4.1: 1 of 1,614,138 alleles (0.000062%); highest among the groups gnomAD compares: South Asian, 0.0011%; no homozygotes.

Submission:

All of Us Research Program, National Institutes of Health
Classification: Uncertain significance for Arrhythmogenic cardiomyopathy with wooly hair and keratoderma. Last evaluated: 2023-05-08. Review status: criteria provided, single submitter. Criteria: ACMG Guidelines, 2015. Collection method: clinical testing. Allele origin: germline. Inheritance: Autosomal dominant inheritance. Observed: 1 variant allele, 1 heterozygote.
Comment: This study involves interpretation of variants in research participants for the purpose of population health screening. Participant phenotype was not available at the time of variant classification. Additional details can be found in publication PMID: 35346344, PMCID: PMC8962531